The following is an entry in ClinVar:

ClinVar aggregate classification (germline): Uncertain significance (1 of 4 stars; one submission).

gnomAD v4.1: 8 of 1,613,752 alleles (0.0005%); highest among the groups gnomAD compares: African/African-American, 0.0013%; no homozygotes.

Submission:

Labcorp Genetics (formerly Invitae), Labcorp
Classification: Uncertain significance. Last evaluated: 2025-12-09. Review status: criteria provided, single submitter. Criteria: Invitae Variant Classification Sherloc (09022015). Collection method: clinical testing. Allele origin: germline.
Comment: This sequence change replaces isoleucine, which is neutral and non-polar, with valine, which is neutral and non-polar, at codon 398 of the MBD4 protein (p.Ile398Val). This variant is present in population databases (no rsID available, gnomAD 0.0009%). This variant has not been reported in the literature in individuals affected with MBD4-related conditions. ClinVar contains an entry for this variant (Variation ID: 3677152). An algorithm developed to predict the effect of missense changes on protein structure and function outputs the following: PolyPhen-2: "Benign". The valine amino acid residue is found in multiple mammalian species, which suggests that this missense change does not adversely affect protein function. In summary, the available evidence is currently insufficient to determine the role of this variant in disease. Therefore, it has been classified as a Variant of Uncertain Significance.

NM_001276270.2(MBD4):c.1183+9A>G

Gene: MBD4 (methyl-CpG binding domain 4, DNA glycosylase; minus strand). Cytogenetic location: 3q21.3.
Variant type: single nucleotide variant.
Coding change: c.1183+9A>G on transcript NM_001276270.2 (MANE Select); 9 bases into the intron after coding-DNA position 1183, A replaced by G.
Molecular consequence: intron variant. On other transcripts: missense variant (3).
Genome position (GRCh38, 1-based): chr3:129,436,452, T>C on the plus strand (A>G on the coding strand, the complement: MBD4 is on the minus strand). VCF-style: chr3-129436452-T-C. GRCh37 (hg19) VCF-style: chr3-129155295-T-C.
Other names: c.1192A>G, p.Ile398Val (NM_001276271.2, NM_001276272.2, NM_003925.3); c.247+1356A>G (NM_001276273.2); short protein forms I398V.
Identifiers: ClinVar variation 3677152 (VCV003677152.2).